The following is an entry in ClinVar:

ClinVar aggregate classification (germline): Conflicting classifications of pathogenicity. Review status: criteria provided, conflicting classifications (1 of 4 stars). 6 submissions from 6 submitters: Uncertain significance (5); Likely benign (1). Last evaluated 2026-09-01.

Conditions:
VCL-related disorder. Also called: VCL-related condition.
Dilated cardiomyopathy 1W (CMD1W). Identifiers: Orphanet 154, MedGen C1969639, MONDO:0012667, OMIM 611407.
Cardiovascular phenotype. Identifiers: MedGen CN230736.

Allele frequency attached by ClinVar (database versions not stated): gnomAD exomes 0.00003 and 0.00006; gnomAD 0.00004 and 0.00005; TOPMed 0.00005; ExAC 0.00009; ESP Exome Variant Server 0.00015.
gnomAD v4.1: 56 of 1,614,016 alleles (0.0035%); highest among the groups gnomAD compares: Admixed American, 0.0067%; no homozygotes.

Submissions (6):

PreventionGenetics, part of Exact Sciences
Classification: Uncertain significance for VCL-related condition. Last evaluated: 2026-09-01. Review status: criteria provided, single submitter. Criteria: ACMG Guidelines, 2015. Collection method: clinical testing. Allele origin: germline.
Comment: The VCL c.1505G>A variant is predicted to result in the amino acid substitution p.Arg502Gln. This variant has been reported in an individual with a family history of sudden cardiac death who also had a missense variant in MYH6 (Table S1, Seidelmann et al. 2017. PubMed ID: 28087566). This variant has also been reported in an individual from a cardiomyopathy cohort that was diagnosed with noncompaction cardiomyopathy (Online Supplementary File 2, van Lint et al. 2019. PubMed ID: 30847666). This variant is reported in 0.011% of alleles in individuals of European (Non-Finnish) descent in gnomAD and is interpreted as uncertain in ClinVar (Variation ID: 806511). At this time, the clinical significance of this variant is uncertain due to the absence of conclusive functional and genetic evidence.

Labcorp Genetics (formerly Invitae), Labcorp
Classification: Uncertain significance for Dilated cardiomyopathy 1W. Last evaluated: 2025-12-21. Review status: criteria provided, single submitter. Criteria: Invitae Variant Classification Sherloc (09022015). Collection method: clinical testing. Allele origin: germline.
Comment: This sequence change replaces arginine, which is basic and polar, with glutamine, which is neutral and polar, at codon 502 of the VCL protein (p.Arg502Gln). This variant is present in population databases (rs201808867, gnomAD 0.01%). This variant has not been reported in the literature in individuals affected with VCL-related conditions. ClinVar contains an entry for this variant (Variation ID: 806511). An algorithm developed to predict the effect of missense changes on protein structure and function (PolyPhen-2) suggests that this variant is likely to be disruptive. In summary, the available evidence is currently insufficient to determine the role of this variant in disease. Therefore, it has been classified as a Variant of Uncertain Significance.

Ambry Genetics
Classification: Uncertain significance for Cardiovascular phenotype. Last evaluated: 2025-08-03. Review status: criteria provided, single submitter. Criteria: Ambry Variant Classification Scheme 2023. Collection method: clinical testing. Allele origin: germline.
Comment: The p.R502Q variant (also known as c.1505G>A), located in coding exon 11 of the VCL gene, results from a G to A substitution at nucleotide position 1505. The arginine at codon 502 is replaced by glutamine, an amino acid with highly similar properties. This alteration has been reported in a subject with family history of sudden cardiac death who also carried a missense alteration in MYH6 (Seidelmann SB et al. Circ Cardiovasc Genet, 2017 Feb;10:). This variant was detected in a cardiomyopathy/arrhythmia genetic testing cohort; however, clinical details were limited, and additional cardiac variants were detected in some cases (van Lint FHM et al. Neth Heart J, 2019 Jun;27:304-309). This amino acid position is highly conserved in available vertebrate species. In addition, the in silico prediction for this alteration is inconclusive. Since supporting evidence is limited at this time, the clinical significance of this alteration remains unclear.

GeneDx
Classification: Uncertain significance. Last evaluated: 2024-10-10. Review status: criteria provided, single submitter. Criteria: GeneDx Variant Classification Process June 2021. Collection method: clinical testing. Allele origin: germline. Affected: yes.
Comment: Identified in a patient with non-compaction cardiomyopathy in published literature (PMID: 30847666); In silico analysis indicates that this missense variant does not alter protein structure/function; This variant is associated with the following publications: (PMID: 28087566, 30847666)

Blueprint Genetics
Classification: Likely benign. Last evaluated: 2024-01-18. Review status: criteria provided, single submitter. Criteria: ACMG Guidelines, 2015. Collection method: clinical testing. Allele origin: germline.

CeGaT Center for Human Genetics Tuebingen
Classification: Uncertain significance. Last evaluated: 2019-03-01. Review status: criteria provided, single submitter. Criteria: CeGaT Center For Human Genetics Tuebingen Variant Classification Criteria Version 2. Collection method: clinical testing. Allele origin: germline. Affected: yes. Observed: 1 variant allele.

Literature cited by the submitters: PubMed 28087566 (cited by Ambry Genetics); PubMed 30847666 (cited by Ambry Genetics).

NM_014000.3(VCL):c.1505G>A (p.Arg502Gln)

Gene: VCL (vinculin; plus strand). Cytogenetic location: 10q22.2.
Variant type: single nucleotide variant.
Coding change: c.1505G>A on transcript NM_014000.3 (MANE Select); coding-DNA position 1505, G replaced by A.
Protein change: p.Arg502Gln; replaces arginine 502 with glutamine.
Molecular consequence: missense variant.
Genome position (GRCh38, 1-based): chr10:74,094,423, G>A. VCF-style: chr10-74094423-G-A. GRCh37 (hg19) VCF-style: chr10-75854181-G-A.
Other names: c.1505G>A, p.Arg502Gln (NM_003373.4); short protein forms R502Q.
Identifiers: ClinVar variation 806511 (VCV000806511.53), dbSNP rs201808867, ClinGen allele CA5563017.